The following is an entry in ClinVar:

ClinVar aggregate classification (germline): Uncertain significance (1 of 4 stars; one submission).

Conditions:
Familial intrahepatic cholestasis. Identifiers: Orphanet 284385, MedGen CN296401, MONDO:0017290.

Submission:

Genomenon, Inc
Classification: Uncertain significance for Familial intrahepatic cholestasis. Last evaluated: 2026-04-14. Review status: criteria provided, single submitter. Criteria: Genomenon Sequence Variant Interpretation Standards - Updated. Collection method: curation. Allele origin: germline. Affected: no.
Comment: ABCB11 p.Val444Gly (c.1331T>G) is a missense variant that changes the amino acid at residue 444 from Valine to Glycine. This variant has been reported in the published literature (PMID:22795478). It is absent or not present at a significant frequency in gnomAD. In conclusion, we classify ABCB11 p.Val444Gly (c.1331T>G) as a variant of uncertain significance.

Literature cited by the submitters: PubMed 22795478.

NM_003742.4(ABCB11):c.1331T>G (p.Val444Gly)

Gene: ABCB11 (ATP binding cassette subfamily B member 11; minus strand). Cytogenetic location: 2q31.1.
Variant type: single nucleotide variant.
Coding change: c.1331T>G on transcript NM_003742.4 (MANE Select); coding-DNA position 1331, T replaced by G.
Protein change: p.Val444Gly; replaces valine 444 with glycine.
Molecular consequence: missense variant.
Genome position (GRCh38, 1-based): chr2:168,973,818, A>C on the plus strand (T>G on the coding strand, the complement: ABCB11 is on the minus strand). VCF-style: chr2-168973818-A-C. GRCh37 (hg19) VCF-style: chr2-169830328-A-C.
Other names: short protein forms V444G.
Identifiers: ClinVar variation 4846204 (VCV004846204.1).